The following is an entry in ClinVar:

ClinVar aggregate classification (germline): Uncertain significance (1 of 4 stars; one submission).

Conditions:
Immunodeficiency 35 (IMD35). Also called: TYK2 DEFICIENCY; HIES WITH ATYPICAL MYCOBACTERIOSIS, AUTOSOMAL RECESSIVE; HYPER-IgE SYNDROME WITH ATYPICAL MYCOBACTERIOSIS, AUTOSOMAL RECESSIVE; Susceptibility to infection due to TYK2 deficiency. Identifiers: Orphanet 331226, MedGen C1969086, MONDO:0012682, OMIM 611521.

Submission:

Labcorp Genetics (formerly Invitae), Labcorp
Classification: Uncertain significance for Immunodeficiency 35. Last evaluated: 2025-10-21. Review status: criteria provided, single submitter. Criteria: Invitae Variant Classification Sherloc (09022015). Collection method: clinical testing. Allele origin: germline.
Comment: This sequence change replaces methionine, which is neutral and non-polar, with valine, which is neutral and non-polar, at codon 795 of the TYK2 protein (p.Met795Val). This variant is not present in population databases (gnomAD no frequency). This variant has not been reported in the literature in individuals affected with TYK2-related conditions. ClinVar contains an entry for this variant (Variation ID: 1967607). Invitae Evidence Modeling of protein sequence and biophysical properties (such as structural, functional, and spatial information, amino acid conservation, physicochemical variation, residue mobility, and thermodynamic stability) indicates that this missense variant is not expected to disrupt TYK2 protein function with a negative predictive value of 80%. In summary, the available evidence is currently insufficient to determine the role of this variant in disease. Therefore, it has been classified as a Variant of Uncertain Significance.

NM_003331.5(TYK2):c.2383A>G (p.Met795Val)

Gene: TYK2 (tyrosine kinase 2; minus strand). Cytogenetic location: 19p13.2.
Variant type: single nucleotide variant.
Coding change: c.2383A>G on transcript NM_003331.5 (MANE Select); coding-DNA position 2383, A replaced by G.
Protein change: p.Met795Val; replaces methionine 795 with valine.
Molecular consequence: missense variant.
Genome position (GRCh38, 1-based): chr19:10,357,847, T>C on the plus strand (A>G on the coding strand, the complement: TYK2 is on the minus strand). VCF-style: chr19-10357847-T-C. GRCh37 (hg19) VCF-style: chr19-10468523-T-C.
Other names: c.2383A>G, p.Met795Val (NM_001385197.1, NM_001385198.1, NM_001385200.1 and 3 more transcripts); c.2197A>G, p.Met733Val (NM_001385199.1); c.2185A>G, p.Met729Val (NM_001385201.1); c.2299A>G, p.Met767Val (NM_001385202.1); c.2293A>G, p.Met765Val (NM_001385205.1); c.2257A>G, p.Met753Val (NM_001385206.1); c.2365A>G, p.Met789Val (NM_001385207.1); short protein forms M765V, M789V, M733V, M795V, M729V, M753V, M767V.
Identifiers: ClinVar variation 1967607 (VCV001967607.5), dbSNP rs1017504081, ClinGen allele CA305197780.
Genomic context (GRCh38, chr19:10,357,847, plus strand): 5'-GAGGGGCCTCTCCGTCAAAGCAGATCTCCAGGAGGGTGGCGCCAAACCCCCACTTGTCCA[T>C]GGCGGTGCTTAGGCTGTTGGCCCCACCTGGTAGGCATTCGGGGGCCAGCCAGGGGATCCT-3'
Protein context (NP_003322.3, residues 785-805): PGGANSLSTA[Met795Val]DKWGFGATLL